The following is an entry in ClinVar:

NM_001253.4(CDC5L):c.-2A>G

Gene: CDC5L (cell division cycle 5 like; plus strand). Cytogenetic location: 6p21.1.
Variant type: single nucleotide variant.
Coding change: c.-2A>G on transcript NM_001253.4 (MANE Select); 2 bases upstream of the start codon, A replaced by G.
Molecular consequence: 5 prime UTR variant.
Genome position (GRCh38, 1-based): chr6:44,387,822, A>G. VCF-style: chr6-44387822-A-G. GRCh37 (hg19) VCF-style: chr6-44355559-A-G.
Identifiers: ClinVar variation 3040564 (VCV003040564.2), dbSNP rs150971616, ClinGen allele CA3835122.
Genomic context (GRCh38, chr6:44,387,822, plus strand): 5'-ATCGCTGTTACTACTTCTCTGAAGCTCCTCTCGGCTGCTTGCCGAGACACCCTGCCGCCA[A>G]GATGCCTCGAATTATGATCAAGGGGGGCGTATGGAGGAATACCGAGGTAAGTCTCCTTTT-3'

ClinVar aggregate classification (germline): Likely benign (0 of 4 stars; one submission).

Conditions:
CDC5L-related disorder. Also called: CDC5L-related condition.

Allele frequency attached by ClinVar (database versions not stated): ExAC 0.00022; ESP Exome Variant Server 0.00023; TOPMed 0.00029; gnomAD 0.00035; 1000 Genomes Project 0.00060; 1000 Genomes Project 30x 0.00078.
gnomAD v4.1: 102 of 1,564,938 alleles (0.0065%); highest among the groups gnomAD compares: African/African-American, 0.12%; no homozygotes.

Submission:

PreventionGenetics, part of Exact Sciences
Classification: Likely benign for CDC5L-related condition. Last evaluated: 2023-08-18. Review status: no assertion criteria provided. Collection method: clinical testing. Allele origin: germline.
Comment: This variant is classified as likely benign based on ACMG/AMP sequence variant interpretation guidelines (Richards et al. 2015 PMID: 25741868, with internal and published modifications).